The following is an entry in ClinVar:

NM_016507.4(CDK12):c.4462G>A (p.Val1488Ile)

Gene: CDK12 (cyclin dependent kinase 12; plus strand). Cytogenetic location: 17q12.
Variant type: single nucleotide variant.
Coding change: c.4462G>A on transcript NM_016507.4 (MANE Select); coding-DNA position 4462, G replaced by A.
Protein change: p.Val1488Ile; replaces valine 1488 with isoleucine.
Molecular consequence: missense variant.
Genome position (GRCh38, 1-based): chr17:39,531,305, G>A. VCF-style: chr17-39531305-G-A. GRCh37 (hg19) VCF-style: chr17-37687558-G-A.
Other names: c.4435G>A, p.Val1479Ile (NM_015083.4); short protein forms V1479I, V1488I.
Identifiers: ClinVar variation 4224416 (VCV004224416.1).
Genomic context (GRCh38, chr17:39,531,305, plus strand): 5'-TATGGAAAACTCTATCGGGGGCCTACAAGAGTCCCACCAAGAGGGGGAAGAGGGAGAGGA[G>A]TTCCTTACTAACCCAGAGACTTCAGTGTCCTGAAAGATTCCTTTCCTATCCATCCTTCCA-3'
Protein context (NP_057591.2, residues 1478-1490): VPPRGGRGRG[Val1488Ile]PY

ClinVar aggregate classification (germline): Uncertain significance (1 of 4 stars; one submission).

gnomAD v4.1: 2 of 1,487,166 alleles (0.00013%); highest among the groups gnomAD compares: African/African-American, 0.0028%; no homozygotes.

Submission:

Ambry Genetics
Classification: Uncertain significance. Last evaluated: 2025-08-25. Review status: criteria provided, single submitter. Criteria: Ambry Variant Classification Scheme 2023. Collection method: clinical testing. Allele origin: germline.
Comment: The p.V1488I variant (also known as c.4462G>A), located in coding exon 14 of the CDK12 gene, results from a G to A substitution at nucleotide position 4462. The valine at codon 1488 is replaced by isoleucine, an amino acid with highly similar properties. This amino acid position is conserved. In addition, this alteration is predicted to be tolerated by in silico analysis. Based on the available evidence, the clinical significance of this variant remains unclear.